The following is an entry in ClinVar:

NM_001374828.1(ARID1B):c.1990C>T (p.Pro664Ser)

Gene: ARID1B (AT-rich interaction domain 1B; plus strand). Cytogenetic location: 6q25.3.
Variant type: single nucleotide variant.
Coding change: c.1990C>T on transcript NM_001374828.1 (MANE Select); coding-DNA position 1990, C replaced by T.
Protein change: p.Pro664Ser; replaces proline 664 with serine.
Molecular consequence: missense variant.
Genome position (GRCh38, 1-based): chr6:156,901,379, C>T. VCF-style: chr6-156901379-C-T. GRCh37 (hg19) VCF-style: chr6-157222513-C-T.
Other names: c.2029C>T, p.Pro677Ser (NM_001371656.1, NM_001374820.1); c.1990C>T, p.Pro664Ser (NM_017519.3); short protein forms P664S, P677S.
Identifiers: ClinVar variation 3635335 (VCV003635335.2).
Genomic context (GRCh38, chr6:156,901,379, plus strand): 5'-ATTTCATTTAATTGCACATTTTGACTTTCTCATTTGCTTTGCTTGACTTTTTGACAGATG[C>T]CACCTCAGTATGGACAGCAAGGTGTGAGTGGTTACTGCCAGCAGGGCCAACAGCCATATT-3'
Protein context (NP_001361757.1, residues 654-674): AGMQYPQQQM[Pro664Ser]PQYGQQGVSG

ClinVar aggregate classification (germline): Uncertain significance (1 of 4 stars; one submission).

Submission:

Labcorp Genetics (formerly Invitae), Labcorp
Classification: Uncertain significance. Last evaluated: 2024-03-31. Review status: criteria provided, single submitter. Criteria: Invitae Variant Classification Sherloc (09022015). Collection method: clinical testing. Allele origin: germline.
Comment: This sequence change replaces proline, which is neutral and non-polar, with serine, which is neutral and polar, at codon 594 of the ARID1B protein (p.Pro594Ser). This variant is not present in population databases (gnomAD no frequency). This variant has not been reported in the literature in individuals affected with ARID1B-related conditions. Advanced modeling of protein sequence and biophysical properties (such as structural, functional, and spatial information, amino acid conservation, physicochemical variation, residue mobility, and thermodynamic stability) performed at Invitae indicates that this missense variant is not expected to disrupt ARID1B protein function with a negative predictive value of 95%. In summary, the available evidence is currently insufficient to determine the role of this variant in disease. Therefore, it has been classified as a Variant of Uncertain Significance.